The following is an entry in ClinVar:

NM_017841.4(SDHAF2):c.209T>G (p.Leu70Arg)

Gene: SDHAF2 (succinate dehydrogenase complex assembly factor 2; plus strand). Cytogenetic location: 11q12.2.
Variant type: single nucleotide variant.
Coding change: c.209T>G on transcript NM_017841.4 (MANE Select); coding-DNA position 209, T replaced by G.
Protein change: p.Leu70Arg; replaces leucine 70 with arginine.
Molecular consequence: missense variant.
Genome position (GRCh38, 1-based): chr11:61,437,797, T>G. VCF-style: chr11-61437797-T-G. GRCh37 (hg19) VCF-style: chr11-61205269-T-G.
Other names: short protein forms L70R.
Identifiers: ClinVar variation 5029233 (VCV005029233.1).
Genomic context (GRCh38, chr11:61,437,797, plus strand): 5'-TCCCTTTGCCTCCATGGCAGGAGAGAACTGATGAATCCATAGAAACCAAAAGAGCCCGCC[T>G]GCTCTATGAGAGCAGAAAGAGGGGAATGTTGGAAAACTGCATTCTTCTTAGGTATGGGAC-3'
Protein context (NP_060311.1, residues 60-80): DESIETKRAR[Leu70Arg]LYESRKRGML

ClinVar aggregate classification (germline): Uncertain significance (1 of 4 stars; one submission).

Conditions:
Hereditary cancer-predisposing syndrome. Also called: Neoplastic Syndromes, Hereditary; Tumor predisposition; Hereditary neoplastic syndrome; Hereditary Cancer Syndrome. Identifiers: Orphanet 140162, MedGen C0027672, MeSH D009386, MONDO:0015356.

Submission:

Ambry Genetics
Classification: Uncertain significance for Hereditary cancer-predisposing syndrome. Last evaluated: 2026-07-07. Review status: criteria provided, single submitter. Criteria: Ambry Variant Classification Scheme 2023. Collection method: clinical testing. Allele origin: germline.
Comment: The p.L70R variant (also known as c.209T>G), located in coding exon 2 of the SDHAF2 gene, results from a T to G substitution at nucleotide position 209. The leucine at codon 70 is replaced by arginine, an amino acid with dissimilar properties. This amino acid position is conserved. In addition, this alteration is predicted to be deleterious by in silico analysis. Based on the available evidence, the clinical significance of this variant remains unclear.